The following is an entry in ClinVar:

ClinVar aggregate classification (germline): Uncertain significance (1 of 4 stars; one submission).

Conditions:
Hereditary cancer-predisposing syndrome. Also called: Neoplastic Syndromes, Hereditary; Hereditary Cancer Syndrome; Hereditary neoplastic syndrome; Tumor predisposition. Identifiers: Orphanet 140162, MedGen C0027672, MeSH D009386, MONDO:0015356.

Allele frequency attached by ClinVar (database versions not stated): gnomAD exomes below 0.00001.
gnomAD v4.1: 1 of 1,614,158 alleles (0.000062%); highest among the groups gnomAD compares: South Asian, 0.0011%; no homozygotes.

Submission:

Ambry Genetics
Classification: Uncertain significance for Hereditary cancer-predisposing syndrome. Last evaluated: 2023-05-13. Review status: criteria provided, single submitter. Criteria: Ambry Variant Classification Scheme 2023. Collection method: clinical testing. Allele origin: germline.
Comment: The p.L1110F variant (also known as c.3328C>T), located in coding exon 27 of the POLE gene, results from a C to T substitution at nucleotide position 3328. The leucine at codon 1110 is replaced by phenylalanine, an amino acid with highly similar properties. This amino acid position is conserved. In addition, the in silico prediction for this alteration is inconclusive. Since supporting evidence is limited at this time, the clinical significance of this alteration remains unclear.

NM_006231.4(POLE):c.3328C>T (p.Leu1110Phe)

Gene: POLE (DNA polymerase epsilon, catalytic subunit; minus strand). Cytogenetic location: 12q24.33.
Variant type: single nucleotide variant.
Coding change: c.3328C>T on transcript NM_006231.4 (MANE Select); coding-DNA position 3328, C replaced by T.
Protein change: p.Leu1110Phe; replaces leucine 1110 with phenylalanine.
Molecular consequence: missense variant.
Genome position (GRCh38, 1-based): chr12:132,657,918, G>A on the plus strand (C>T on the coding strand, the complement: POLE is on the minus strand). VCF-style: chr12-132657918-G-A. GRCh37 (hg19) VCF-style: chr12-133234504-G-A.
Other names: short protein forms L1110F.
Identifiers: ClinVar variation 2562934 (VCV002562934.2), dbSNP rs1555225317, ClinGen allele CA387389681.